The following is an entry in ClinVar:

ClinVar aggregate classification (germline): Uncertain significance (1 of 4 stars; one submission).

Submission:

Labcorp Genetics (formerly Invitae), Labcorp
Classification: Uncertain significance. Last evaluated: 2023-12-05. Review status: criteria provided, single submitter. Criteria: Invitae Variant Classification Sherloc (09022015). Collection method: clinical testing. Allele origin: germline.
Comment: This sequence change replaces glutamine, which is neutral and polar, with glutamic acid, which is acidic and polar, at codon 497 of the SCAF4 protein (p.Gln497Glu). This variant is not present in population databases (gnomAD no frequency). This variant has not been reported in the literature in individuals affected with SCAF4-related conditions. An algorithm developed to predict the effect of missense changes on protein structure and function (PolyPhen-2) suggests that this variant is likely to be tolerated. In summary, the available evidence is currently insufficient to determine the role of this variant in disease. Therefore, it has been classified as a Variant of Uncertain Significance.

NM_020706.2(SCAF4):c.1489C>G (p.Gln497Glu)

Gene: SCAF4 (SR-related CTD associated factor 4; minus strand). Cytogenetic location: 21q22.11.
Variant type: single nucleotide variant.
Coding change: c.1489C>G on transcript NM_020706.2 (MANE Select); coding-DNA position 1489, C replaced by G.
Protein change: p.Gln497Glu; replaces glutamine 497 with glutamic acid.
Molecular consequence: missense variant.
Genome position (GRCh38, 1-based): chr21:31,693,318, G>C on the plus strand (C>G on the coding strand, the complement: SCAF4 is on the minus strand). VCF-style: chr21-31693318-G-C. GRCh37 (hg19) VCF-style: chr21-33065631-G-C.
Other names: c.1444C>G, p.Gln482Glu (NM_001145444.1); c.1489C>G, p.Gln497Glu (NM_001145445.1); short protein forms Q497E, Q482E.
Identifiers: ClinVar variation 2804521 (VCV002804521.3), dbSNP rs2516760652, ClinGen allele CA410047406.